The following is an entry in ClinVar:

ClinVar aggregate classification (germline): Likely benign. Review status: criteria provided, multiple submitters, no conflicts (2 of 4 stars). 5 submissions from 5 submitters: Likely benign (4). 1 of the submissions does not count toward it. Last evaluated 2026-01-20.

Conditions:
Renal tubular acidosis with progressive nerve deafness. Also called: renal tubular acidosis, distal, 2, with progressive sensorineural hearing loss; Distal Renal Tubular Acidosis with Progressive Sensorineural Deafness; RENAL TUBULAR ACIDOSIS, AUTOSOMAL RECESSIVE, WITH PROGRESSIVE NERVE DEAFNESS; RTA WITH PROGRESSIVE NERVE DEAFNESS. Identifiers: MedGen C0403554, MONDO:0009968, OMIM 267300.

Allele frequency attached by ClinVar (database versions not stated): gnomAD exomes 0.00007 and 0.00012; gnomAD 0.00010; TOPMed 0.00010; ExAC 0.00013; ESP Exome Variant Server 0.00015.
gnomAD v4.1: 128 of 1,613,992 alleles (0.0079%); highest among the groups gnomAD compares: Admixed American, 0.013%; no homozygotes.

Submissions (5):

Labcorp Genetics (formerly Invitae), Labcorp
Classification: Likely benign. Last evaluated: 2026-01-20. Review status: criteria provided, single submitter. Criteria: Invitae Variant Classification Sherloc (09022015). Collection method: clinical testing. Allele origin: germline.

Blueprint Genetics
Classification: Likely benign. Last evaluated: 2024-09-05. Review status: criteria provided, single submitter. Criteria: ACMG Guidelines, 2015. Collection method: clinical testing. Allele origin: germline.

GeneDx
Classification: Likely benign. Last evaluated: 2021-01-07. Review status: criteria provided, single submitter. Criteria: GeneDx Variant Classification Process June 2021. Collection method: clinical testing. Allele origin: germline. Affected: yes.

Laboratory for Molecular Medicine, Mass General Brigham Personalized Medicine
Classification: Likely benign. Last evaluated: 2016-01-15. Review status: criteria provided, single submitter. Criteria: LMM Criteria. Collection method: clinical testing. Allele origin: germline. Observed: 1 variant allele.
Comment: p.Ala141Ala in Exon 5 of ATP6V1B1: This variant is not expected to have clinical significance because it does not alter an amino acid residue, is not located wi thin the splice consensus sequence, and has been identified in 14/66540 European chromosomes by the Exome Aggregation Consortium (ExAC; dbSNP rs141969350).

Counsyl
Classification: Likely benign for Renal tubular acidosis with progressive nerve deafness. Last evaluated: 2017-05-09. Review status: no assertion criteria provided. Collection method: clinical testing. Allele origin: unknown. Not counted in ClinVar's aggregate classification.

NM_001692.4(ATP6V1B1):c.423G>A (p.Ala141=)

Gene: ATP6V1B1 (ATPase H+ transporting V1 subunit B1; plus strand). Cytogenetic location: 2p13.3.
Variant type: single nucleotide variant.
Coding change: c.423G>A on transcript NM_001692.4 (MANE Select); coding-DNA position 423, G replaced by A.
Protein change: p.Ala141=; no amino-acid change (alanine 141 retained).
Molecular consequence: synonymous variant.
Genome position (GRCh38, 1-based): chr2:70,959,073, G>A. VCF-style: chr2-70959073-G-A. GRCh37 (hg19) VCF-style: chr2-71186203-G-A.
Identifiers: ClinVar variation 227182 (VCV000227182.19), dbSNP rs141969350, ClinGen allele CA1701041.